The following is an entry in ClinVar:

NM_019066.5(MAGEL2):c.1719_1730dup (p.570_573LSAP[3])

Gene: MAGEL2 (MAGE family member L2; minus strand). Cytogenetic location: 15q11.2.
Variant type: Duplication.
Coding change: c.1719_1730dup on transcript NM_019066.5 (MANE Select); coding-DNA positions 1719 to 1730, 12 bases duplicated (ACTGTCTGCCCC).
Protein change: p.570_573LSAP[3].
Molecular consequence: inframe insertion.
Genome position (GRCh38, 1-based): chr15:23,646,013-23,646,024, GGGGCAGACAGT duplicated on the plus strand (ACTGTCTGCCCC on the coding strand, the reverse complement: MAGEL2 is on the minus strand); duplicating any 12 consecutive bases within chr15:23,646,013-23,646,035 gives the same sequence; the c. name uses the placement nearest the transcript's 3' end. VCF-style (leftmost placement, unchanged base first): chr15-23646012-C-CGGGGCAGACAGT. GRCh37 (hg19) VCF-style: chr15-23891159-C-CGGGGCAGACAGT.
Other names: c.1719_1730dupACTGTCTGCCCC (NM_019066.4).
Identifiers: ClinVar variation 452295 (VCV000452295.4), dbSNP rs763432934, ClinGen allele CA7430028.

ClinVar aggregate classification (germline): Uncertain significance. Review status: criteria provided, multiple submitters, no conflicts (2 of 4 stars). 2 submissions from 2 submitters: Uncertain significance (2). Last evaluated 2023-01-03.

Conditions:
MAGEL2-related disorder. Also called: MAGEL2-related condition.

Submissions (2):

PreventionGenetics, part of Exact Sciences
Classification: Uncertain significance for MAGEL2-related condition. Last evaluated: 2023-01-03. Review status: criteria provided, single submitter. Criteria: ACMG Guidelines, 2015. Collection method: clinical testing. Allele origin: germline.
Comment: The MAGEL2 c.1719_1730dup12 variant is predicted to result in an in-frame duplication (p.Leu574_Pro577dup). To our knowledge, this variant has not been reported in the literature. This variant is reported in 0.0080% of alleles in individuals of East Asian descent in gnomAD. At this time, the clinical significance of this variant is uncertain due to the absence of conclusive functional and genetic evidence.

GeneDx
Classification: Uncertain significance. Last evaluated: 2020-12-22. Review status: criteria provided, single submitter. Criteria: GeneDx Variant Classification Process June 2021. Collection method: clinical testing. Allele origin: germline. Affected: yes.
Comment: In-frame insertion of 4 amino acids in a non-repeat region; Has not been previously published as pathogenic or benign to our knowledge